The following is an entry in ClinVar:

NM_000180.4(GUCY2D):c.2845A>C (p.Ile949Leu)

Gene: GUCY2D (guanylate cyclase 2D, retinal; plus strand). Cytogenetic location: 17p13.1.
Variant type: single nucleotide variant.
Coding change: c.2845A>C on transcript NM_000180.4 (MANE Select); coding-DNA position 2845, A replaced by C.
Protein change: p.Ile949Leu; replaces isoleucine 949 with leucine.
Molecular consequence: missense variant.
Genome position (GRCh38, 1-based): chr17:8,015,403, A>C. VCF-style: chr17-8015403-A-C. GRCh37 (hg19) VCF-style: chr17-7918721-A-C.
Other names: short protein forms I949L.
Identifiers: ClinVar variation 2945401 (VCV002945401.3), dbSNP rs2545426837, ClinGen allele CA397954580.

ClinVar aggregate classification (germline): Uncertain significance (1 of 4 stars; one submission).

Conditions:
Leber congenital amaurosis 1 (LCA1). Also called: Congenital absence of the rods and cones; Leber's congenital tapetoretinal degeneration; Leber's congenital tapetoretinal dysplasia; AMAUROSIS CONGENITA OF LEBER I; RETINAL BLINDNESS, CONGENITAL. Identifiers: Orphanet 65, MedGen C2931258, MONDO:0008764, OMIM 204000.
Cone-rod dystrophy 6 (CORD6). Also called: Cone dystrophy progressive; RETINAL CONE DYSTROPHY 2. Identifiers: Orphanet 1872, MedGen C1866293, MONDO:0011143, OMIM 601777.

Submission:

Labcorp Genetics (formerly Invitae), Labcorp
Classification: Uncertain significance for Leber congenital amaurosis 1; Cone-rod dystrophy 6. Last evaluated: 2023-04-20. Review status: criteria provided, single submitter. Criteria: Invitae Variant Classification Sherloc (09022015). Collection method: clinical testing. Allele origin: germline.
Comment: Advanced modeling of protein sequence and biophysical properties (such as structural, functional, and spatial information, amino acid conservation, physicochemical variation, residue mobility, and thermodynamic stability) has been performed at Invitae for this missense variant, however the output from this modeling did not meet the statistical confidence thresholds required to predict the impact of this variant on GUCY2D protein function. This variant has not been reported in the literature in individuals affected with GUCY2D-related conditions. In summary, the available evidence is currently insufficient to determine the role of this variant in disease. Therefore, it has been classified as a Variant of Uncertain Significance. This sequence change replaces isoleucine, which is neutral and non-polar, with leucine, which is neutral and non-polar, at codon 949 of the GUCY2D protein (p.Ile949Leu). This variant is not present in population databases (gnomAD no frequency).